The following is an entry in ClinVar:

NM_004690.4(LATS1):c.286C>T (p.Arg96Trp)

Gene: LATS1 (large tumor suppressor kinase 1; minus strand). Cytogenetic location: 6q25.1.
Variant type: single nucleotide variant.
Coding change: c.286C>T on transcript NM_004690.4 (MANE Select); coding-DNA position 286, C replaced by T.
Protein change: p.Arg96Trp; replaces arginine 96 with tryptophan.
Molecular consequence: missense variant. On other transcripts: 5 prime UTR variant (3), non-coding transcript variant (1).
Genome position (GRCh38, 1-based): chr6:149,701,841, G>A on the plus strand (C>T on the coding strand, the complement: LATS1 is on the minus strand). VCF-style: chr6-149701841-G-A. GRCh37 (hg19) VCF-style: chr6-150022977-G-A.
Other names: c.286C>T, p.Arg96Trp (NM_001270519.2); c.-125C>T (NM_001350339.2, NM_001350340.2); c.-407C>T (NM_001350392.2); short protein forms R96W.
Identifiers: ClinVar variation 2656992 (VCV002656992.24), dbSNP rs55945045, ClinGen allele CA4043862.

ClinVar aggregate classification (germline): Likely benign (1 of 4 stars; one submission).

Allele frequency attached by ClinVar (database versions not stated): 1000 Genomes Project 0.00160; 1000 Genomes Project 30x 0.00172; ESP Exome Variant Server 0.00315; gnomAD 0.00333; ExAC 0.00354; gnomAD exomes 0.00451.

Submission:

CeGaT Center for Human Genetics Tuebingen
Classification: Likely benign. Last evaluated: 2023-07-01. Review status: criteria provided, single submitter. Criteria: CeGaT Center For Human Genetics Tuebingen Variant Classification Criteria Version 2. Collection method: clinical testing. Allele origin: germline. Affected: yes. Observed: 1 variant allele.
Comment: LATS1: BP4, BS2